The following is an entry in ClinVar:

ClinVar aggregate classification (germline): Benign (1 of 4 stars; one submission).

Allele frequency attached by ClinVar (database versions not stated): 1000 Genomes Project 30x 0.93910; gnomAD 0.94841 and 0.95170; 1000 Genomes Project 0.94249; TOPMed 0.94426.

Submission:

GeneDx
Classification: Benign. Last evaluated: 2018-06-14. Review status: criteria provided, single submitter. Criteria: GeneDx Variant Classification (06012015). Collection method: clinical testing. Allele origin: germline. Affected: yes.
Comment: This variant is considered likely benign or benign based on one or more of the following criteria: it is a conservative change, it occurs at a poorly conserved position in the protein, it is predicted to be benign by multiple in silico algorithms, and/or has population frequency not consistent with disease.

NM_145693.2(LPIN1):c.-69445T>G

Gene: LPIN1 (lipin 1; plus strand). Cytogenetic location: 2p25.1.
Variant type: single nucleotide variant.
Coding change: c.-69445T>G on transcript NM_145693.2; 69445 bases upstream of the start codon, T replaced by G.
Genome position (GRCh38, 1-based): chr2:11,677,236, T>G. VCF-style: chr2-11677236-T-G. GRCh37 (hg19) VCF-style: chr2-11817362-T-G.
Identifiers: ClinVar variation 684288 (VCV000684288.3), dbSNP rs4374337, ClinGen allele CA11268729.